The following is an entry in ClinVar:

ClinVar aggregate classification (germline): Uncertain significance (1 of 4 stars; one submission).

Allele frequency attached by ClinVar (database versions not stated): gnomAD exomes below 0.00001.
gnomAD v4.1: 6 of 1,613,088 alleles (0.00037%); highest among the groups gnomAD compares: Non-Finnish European, 0.00042%; no homozygotes.

Submission:

Labcorp Genetics (formerly Invitae), Labcorp
Classification: Uncertain significance. Last evaluated: 2023-07-21. Review status: criteria provided, single submitter. Criteria: Invitae Variant Classification Sherloc (09022015). Collection method: clinical testing. Allele origin: germline.
Comment: An algorithm developed to predict the effect of missense changes on protein structure and function (PolyPhen-2) suggests that this variant is likely to be tolerated. This variant has not been reported in the literature in individuals affected with FCHO1-related conditions. This variant is not present in population databases (gnomAD no frequency). This sequence change replaces glutamine, which is neutral and polar, with arginine, which is basic and polar, at codon 379 of the FCHO1 protein (p.Gln379Arg). In summary, the available evidence is currently insufficient to determine the role of this variant in disease. Therefore, it has been classified as a Variant of Uncertain Significance.

NM_015122.3(FCHO1):c.1136A>G (p.Gln379Arg)

Gene: FCHO1 (FCH and mu domain containing endocytic adaptor 1; plus strand). Cytogenetic location: 19p13.11.
Variant type: single nucleotide variant.
Coding change: c.1136A>G on transcript NM_015122.3 (MANE Select); coding-DNA position 1136, A replaced by G.
Protein change: p.Gln379Arg; replaces glutamine 379 with arginine.
Molecular consequence: missense variant. On other transcripts: non-coding transcript variant (36).
Genome position (GRCh38, 1-based): chr19:17,776,115, A>G. VCF-style: chr19-17776115-A-G. GRCh37 (hg19) VCF-style: chr19-17886924-A-G.
Other names: c.1136A>G, p.Gln379Arg (NM_001161357.2, NM_001161358.2, NM_001384370.1 and 25 more transcripts); c.986A>G, p.Gln329Arg (NM_001161359.2, NM_001384384.1, NM_001384385.1 and 3 more transcripts); c.1097A>G, p.Gln366Arg (NM_001384388.1, NM_001384389.1, NM_001384405.1); c.1061A>G, p.Gln354Arg (NM_001384390.1); c.1091A>G, p.Gln364Arg (NM_001384403.1); short protein forms Q354R, Q379R, Q329R, Q364R, Q366R.
Identifiers: ClinVar variation 2789210 (VCV002789210.3), dbSNP rs2147129404, ClinGen allele CA404751399.
Genomic context (GRCh38, chr19:17,776,115, plus strand): 5'-TGCACATCAAGCCTGCCCCGGCCCGGGCTCCAGCCTGCAGCCCCGAGGCAGCAGCGGCAC[A>G]GCTCAGGGCCACCGCGGGCAGCCTCATCCTTCCTCCTGGCCCAGGGGTGAGGCGTGGGAG-3'
Protein context (NP_055937.1, residues 369-389): PACSPEAAAA[Gln379Arg]LRATAGSLIL